The following is an entry in ClinVar:

NM_173477.5(USH1G):c.758_765dup (p.Val256Ter)

Gene: USH1G (USH1 protein network component sans; minus strand). Cytogenetic location: 17q25.1.
Variant type: Duplication.
Coding change: c.758_765dup on transcript NM_173477.5 (MANE Select); coding-DNA positions 758 to 765, 8 bases duplicated (TGATGTTC; older notation c.758_765dupTGATGTTC).
Protein change: p.Val256Ter; replaces valine 256 with a stop codon.
Molecular consequence: nonsense.
Genome position (GRCh38, 1-based): chr17:74,920,071-74,920,078, GAACATCA duplicated on the plus strand (TGATGTTC on the coding strand, the reverse complement: USH1G is on the minus strand). VCF-style (leftmost placement, unchanged base first): chr17-74920070-C-CGAACATCA. GRCh37 (hg19) VCF-style: chr17-72916165-C-CGAACATCA.
Other names: c.449_456dup, p.Val153Ter (NM_001282489.3); short protein forms V153*, V256*.
Identifiers: ClinVar variation 3601027 (VCV003601027.1).

ClinVar aggregate classification (germline): Pathogenic (1 of 4 stars; one submission).

Conditions:
Usher syndrome type 1G. Also called: USHER SYNDROME, TYPE IG, MILD. Identifiers: Orphanet 231169, Orphanet 886, MedGen C1847089, MONDO:0011748, OMIM 606943.

Submission:

Institute of Rare Diseases, West China Hospital, Sichuan University
Classification: Pathogenic for Usher syndrome type 1G. Last evaluated: 2025-01-09. Review status: criteria provided, single submitter. Criteria: ClinGen HL ACMG Specifications v1. Collection method: research. Allele origin: germline. Affected: yes.
Comment: PVS1;PM3;PM2_Supporting